The following is an entry in ClinVar:

ClinVar aggregate classification (germline): Likely benign. Review status: criteria provided, single submitter (1 of 4 stars). 2 submissions from 2 submitters: Likely benign (1). 1 of the submissions does not count toward it. Last evaluated 2022-07-13.

Conditions:
POLD1-related disorder. Also called: POLD1-related condition; POLD1-related disorders.

Allele frequency attached by ClinVar (database versions not stated): ExAC 0.00005; 1000 Genomes Project 30x 0.00031.
gnomAD v4.1: 170 of 1,576,808 alleles (0.011%); highest among the groups gnomAD compares: Non-Finnish European, 0.014%; 1 homozygote.

Submissions (2):

Blueprint Genetics
Classification: Likely benign. Last evaluated: 2022-07-13. Review status: criteria provided, single submitter. Criteria: ACMG Guidelines, 2015. Collection method: clinical testing. Allele origin: germline.

PreventionGenetics, part of Exact Sciences
Classification: Likely benign for POLD1-related condition. Last evaluated: 2021-12-22. Review status: no assertion criteria provided. Collection method: clinical testing. Allele origin: germline. Not counted in ClinVar's aggregate classification.
Comment: This variant is classified as likely benign based on ACMG/AMP sequence variant interpretation guidelines (Richards et al. 2015 PMID: 25741868, with internal and published modifications).

NM_002691.4(POLD1):c.1495-15C>G

Gene: POLD1 (DNA polymerase delta 1, catalytic subunit; plus strand). Cytogenetic location: 19q13.33.
Variant type: single nucleotide variant.
Coding change: c.1495-15C>G on transcript NM_002691.4 (MANE Select); 15 bases into the intron before coding-DNA position 1495, C replaced by G.
Molecular consequence: intron variant.
Genome position (GRCh38, 1-based): chr19:50,406,968, C>G. VCF-style: chr19-50406968-C-G. GRCh37 (hg19) VCF-style: chr19-50910225-C-G.
Other names: c.1495-15C>G (NM_001256849.1, NM_001308632.1).
Identifiers: ClinVar variation 3058184 (VCV003058184.3), dbSNP rs764924384, ClinGen allele CA9596158.
Genomic context (GRCh38, chr19:50,406,968, plus strand): 5'-ACCCCCACTTCCTTCTCCTGCTCCACCTCCCACCCCCAACCCCTGGTCCCTGACCCCATC[C>G]GTGCCCATCCCCAGAATGGGAACGACCAGACCCGCCGCCGCCTGGCTGTGTACTGCCTGA-3'